The following is an entry in ClinVar:

NM_001105206.3(LAMA4):c.4858A>G (p.Asn1620Asp)

Gene: LAMA4 (laminin subunit alpha 4; minus strand). Cytogenetic location: 6q21.
Variant type: single nucleotide variant.
Coding change: c.4858A>G on transcript NM_001105206.3 (MANE Select); coding-DNA position 4858, A replaced by G.
Protein change: p.Asn1620Asp; replaces asparagine 1620 with aspartic acid.
Molecular consequence: missense variant.
Genome position (GRCh38, 1-based): chr6:112,117,862, T>C on the plus strand (A>G on the coding strand, the complement: LAMA4 is on the minus strand). VCF-style: chr6-112117862-T-C. GRCh37 (hg19) VCF-style: chr6-112439065-T-C.
Other names: c.4837A>G, p.Asn1613Asp (NM_001105207.3, NM_002290.5); short protein forms N1620D, N1613D.
Identifiers: ClinVar variation 854344 (VCV000854344.9), dbSNP rs1778116628, ClinGen allele CA365366789.

ClinVar aggregate classification (germline): Uncertain significance (1 of 4 stars; one submission).

Conditions:
Dilated cardiomyopathy 1JJ (CMD1JJ). Identifiers: Orphanet 154, MedGen C3808935, MONDO:0014095, OMIM 615235.

Submission:

Labcorp Genetics (formerly Invitae), Labcorp
Classification: Uncertain significance for Dilated cardiomyopathy 1JJ. Last evaluated: 2019-11-27. Review status: criteria provided, single submitter. Criteria: Invitae Variant Classification Sherloc (09022015). Collection method: clinical testing. Allele origin: germline.
Comment: This sequence change replaces asparagine with aspartic acid at codon 1613 of the LAMA4 protein (p.Asn1613Asp). The asparagine residue is highly conserved and there is a small physicochemical difference between asparagine and aspartic acid. In summary, the available evidence is currently insufficient to determine the role of this variant in disease. Therefore, it has been classified as a Variant of Uncertain Significance. Algorithms developed to predict the effect of missense changes on protein structure and function output the following: SIFT: "Deleterious"; PolyPhen-2: "Benign"; Align-GVGD: "Class C0". The aspartic acid amino acid residue is found in multiple mammalian species, suggesting that this missense change does not adversely affect protein function. These predictions have not been confirmed by published functional studies and their clinical significance is uncertain. This variant has not been reported in the literature in individuals with LAMA4-related conditions. This variant is not present in population databases (ExAC no frequency).